The following is an entry in ClinVar:

ClinVar aggregate classification (germline): Uncertain significance. Review status: criteria provided, multiple submitters, no conflicts (2 of 4 stars). 3 submissions from 3 submitters: Uncertain significance (3). Last evaluated 2026-01-06.

Conditions:
Congenital primary aphakia. Also called: ANTERIOR SEGMENT DYSGENESIS 2; Anterior segment dysgenesis 2, multiple subtypes. Identifiers: Orphanet 83461, MedGen C1853230, MONDO:0012456, OMIM 610256.
Anterior segment dysgenesis. Also called: Ocular anterior segment dysgenesis. Identifiers: Orphanet 88632, MedGen C1862839, MONDO:0019503, HP:0007700.
Aortic aneurysm, familial thoracic 11, susceptibility to (AAT11). Identifiers: MedGen C4479235, MONDO:0044301, OMIM 617349.
Cardiovascular phenotype. Identifiers: MedGen CN230736.

Allele frequency attached by ClinVar (database versions not stated): gnomAD 0.00004 and 0.00003; TOPMed 0.00004; gnomAD exomes 0.00007 and 0.00009; ESP Exome Variant Server 0.00015; ExAC 0.00016.
gnomAD v4.1: 109 of 1,608,910 alleles (0.0068%); highest among the groups gnomAD compares: Non-Finnish European, 0.0089%; no homozygotes.

Submissions (3):

Labcorp Genetics (formerly Invitae), Labcorp
Classification: Uncertain significance for Anterior segment dysgenesis; Congenital primary aphakia. Last evaluated: 2026-01-06. Review status: criteria provided, single submitter. Criteria: Invitae Variant Classification Sherloc (09022015). Collection method: clinical testing. Allele origin: germline.
Comment: This sequence change replaces glutamic acid, which is acidic and polar, with glycine, which is neutral and non-polar, at codon 135 of the FOXE3 protein (p.Glu135Gly). This variant is present in population databases (rs372281087, gnomAD 0.02%). This missense change has been observed in individual(s) with clinical features of FOXE3-related conditions (internal data). ClinVar contains an entry for this variant (Variation ID: 650898). Invitae Evidence Modeling of protein sequence and biophysical properties (such as structural, functional, and spatial information, amino acid conservation, physicochemical variation, residue mobility, and thermodynamic stability) has been performed for this missense variant. However, the output from this modeling did not meet the statistical confidence thresholds required to predict the impact of this variant on FOXE3 protein function. In summary, the available evidence is currently insufficient to determine the role of this variant in disease. Therefore, it has been classified as a Variant of Uncertain Significance.

Ambry Genetics
Classification: Uncertain significance for Cardiovascular phenotype. Last evaluated: 2025-08-31. Review status: criteria provided, single submitter. Criteria: Ambry Variant Classification Scheme 2023. Collection method: clinical testing. Allele origin: germline.
Comment: The p.E135G variant (also known as c.404A>G), located in coding exon 1 of the FOXE3 gene, results from an A to G substitution at nucleotide position 404. The glutamic acid at codon 135 is replaced by glycine, an amino acid with similar properties. This amino acid position is highly conserved in available vertebrate species. In addition, the in silico prediction for this alteration is inconclusive. Since supporting evidence is limited at this time, the clinical significance of this alteration remains unclear.

MGZ Medical Genetics Center
Classification: Uncertain significance for Aortic aneurysm, familial thoracic 11, susceptibility to. Last evaluated: 2022-05-20. Review status: criteria provided, single submitter. Criteria: ACMG Guidelines, 2015. Collection method: clinical testing. Allele origin: germline. Affected: yes. Observed: 1 variant allele.
Comment: ACMG criteria applied: PM2_SUP, PP3

NM_012186.3(FOXE3):c.404A>G (p.Glu135Gly)

Genes: FOXE3 (forkhead box E3; plus strand), LINC01389 (long independently transcribed non-coding RNA 1389; minus strand). Cytogenetic location: 1p33.
Variant type: single nucleotide variant.
Coding change: c.404A>G on transcript NM_012186.3 (MANE Select); coding-DNA position 404, A replaced by G.
Protein change: p.Glu135Gly; replaces glutamic acid 135 with glycine.
Molecular consequence: missense variant.
Genome position (GRCh38, 1-based): chr1:47,416,719, A>G. VCF-style: chr1-47416719-A-G. GRCh37 (hg19) VCF-style: chr1-47882391-A-G.
Other names: short protein forms E135G.
Identifiers: ClinVar variation 650898 (VCV000650898.16), dbSNP rs372281087, ClinGen allele CA842955.